The following is an entry in ClinVar:

NM_003737.4(DCHS1):c.76CTG[5] (p.Leu31_Leu33del)

Gene: DCHS1 (dachsous cadherin-related 1; minus strand). Cytogenetic location: 11p15.4.
Variant type: Microsatellite.
Coding change: c.76CTG[5] on transcript NM_003737.4 (MANE Select); five copies in a row of the 3-base unit CTG starting at c.76; the reference has eight copies in a row; three copies, 9 bases deleted.
Protein change: p.Leu31_Leu33del.
Molecular consequence: inframe deletion.
Genome position (GRCh38, 1-based): chr11:6,641,515-6,641,523, CAGCAGCAG deleted on the plus strand (CTGCTGCTG on the coding strand, the reverse complement: DCHS1 is on the minus strand); deleting any 9 consecutive bases within chr11:6,641,515-6,641,540 gives the same sequence; the position shown is the placement nearest the transcript's 3' end. VCF-style (leftmost placement, unchanged base first): chr11-6641514-CCAGCAGCAG-C. GRCh37 (hg19) VCF-style: chr11-6662745-CCAGCAGCAG-C.
Identifiers: ClinVar variation 1907439 (VCV001907439.5), dbSNP rs72555381, ClinGen allele CA597440163.
Genomic context (GRCh38, chr11:6,641,514, plus strand): 5'-CCTCATCAATCTGCAAGTCCAGGCTCCCAGCCTGACCCCAGGCACCTGGCACCCCAGCCC[CCAGCAGCAG>C]CAGCAGCAGCAGCAGCAATGGTAGCAGGAGGTGGGGCCTGGGGCTCTTCATGCCAGGGCA-3'

ClinVar aggregate classification (germline): Uncertain significance (1 of 4 stars; one submission).

Submission:

Labcorp Genetics (formerly Invitae), Labcorp
Classification: Uncertain significance. Last evaluated: 2025-11-15. Review status: criteria provided, single submitter. Criteria: Invitae Variant Classification Sherloc (09022015). Collection method: clinical testing. Allele origin: germline.
Comment: This variant, c.91_99del, results in the deletion of 3 amino acid(s) of the DCHS1 protein (p.Leu31_Leu33del), but otherwise preserves the integrity of the reading frame. The frequency data for this variant in the population databases is considered unreliable, as metrics indicate poor data quality at this position in the gnomAD database. This variant has not been reported in the literature in individuals affected with DCHS1-related conditions. Experimental studies and prediction algorithms are not available or were not evaluated, and the functional significance of this variant is currently unknown. In summary, the available evidence is currently insufficient to determine the role of this variant in disease. Therefore, it has been classified as a Variant of Uncertain Significance.